The following is an entry in ClinVar:

NM_000548.5(TSC2):c.706dup (p.Leu236fs)

Gene: TSC2 (TSC complex subunit 2; plus strand). Cytogenetic location: 16p13.3.
Variant type: Duplication.
Coding change: c.706dup on transcript NM_000548.5 (MANE Select); coding-DNA position 706, one base duplicated (C; older notation c.706dupC).
Protein change: p.Leu236fs; shifts the reading frame from leucine 236.
Molecular consequence: frameshift variant.
Genome position (GRCh38, 1-based): chr16:2,056,701, C duplicated; the last of 2 consecutive C bases (chr16:2,056,700-2,056,701); duplicating either gives the same sequence. VCF-style (leftmost placement, unchanged base first): chr16-2056699-G-GC. GRCh37 (hg19) VCF-style: chr16-2106700-G-GC.
Other names: c.706dup, p.Leu236fs (NM_001077183.3, NM_001114382.3, NM_001363528.2 and 3 more transcripts); c.595dup, p.Leu199fs (NM_001318827.2); c.559dup, p.Leu187fs (NM_001318829.2); c.106dup, p.Leu36fs (NM_001318831.2); c.739dup, p.Leu247fs (NM_001318832.2); c.706dupC (NM_000548.3); c.706dup, p.Leu236Profs (NM_001406663.1, NM_001406664.1, NM_001406665.1); c.796dup, p.Leu266Profs (NM_001406667.1, NM_001406668.1); and 9 more; short protein forms L36fs, L187fs, L199fs, L236fs, L247fs.
Identifiers: ClinVar variation 1756992 (VCV001756992.2), dbSNP rs2548461942, ClinGen allele CA2580090524.
Genomic context (GRCh38, chr16:2,056,699, plus strand): 5'-ACCAGGTCTCCCTGCAGGTGCTGGACGCCGTGGTCTGCTACAACTGCCTGCCGGCTGAGA[G>GC]CCTCCCGCTGTTCATCGTTACCCTCTGTCGCACCATCAACGTCAAGGAGCTCTGCGAGCC-3'

ClinVar aggregate classification (germline): Pathogenic (1 of 4 stars; one submission).

Conditions:
Hereditary cancer-predisposing syndrome. Also called: Neoplastic Syndromes, Hereditary; Tumor predisposition; Hereditary Cancer Syndrome; Hereditary neoplastic syndrome. Identifiers: Orphanet 140162, MedGen C0027672, MeSH D009386, MONDO:0015356.

Submission:

Ambry Genetics
Classification: Pathogenic for Hereditary cancer-predisposing syndrome. Last evaluated: 2021-07-07. Review status: criteria provided, single submitter. Criteria: Ambry Variant Classification Scheme 2023. Collection method: clinical testing. Allele origin: germline.
Comment: The c.706dupC pathogenic mutation, located in coding exon 7 of the TSC2 gene, results from a duplication of C at nucleotide position 706, causing a translational frameshift with a predicted alternate stop codon (p.L236Pfs*102). This mutation has been reported as de novo in 1/234 unrelated probands diagnosed with tuberous sclerosis complex (TSC) (Ding Y et al. Front Genet, 2020 Mar;11:204). In addition to the clinical data presented in the literature, this alteration is expected to result in loss of function by premature protein truncation or nonsense-mediated mRNA decay. As such, this alteration is interpreted as a disease-causing mutation.

Literature cited by the submitters: PubMed 32211034.